The following is an entry in ClinVar:

ClinVar aggregate classification (germline): Conflicting classifications of pathogenicity. Review status: criteria provided, conflicting classifications (1 of 4 stars). 2 submissions from 2 submitters: Uncertain significance (1); Likely benign (1). Last evaluated 2023-03-23.

Conditions:
Hereditary cancer-predisposing syndrome. Also called: Hereditary neoplastic syndrome; Hereditary Cancer Syndrome; Tumor predisposition; Neoplastic Syndromes, Hereditary. Identifiers: Orphanet 140162, MedGen C0027672, MeSH D009386, MONDO:0015356.

Allele frequency attached by ClinVar (database versions not stated): gnomAD exomes below 0.00001; ExAC 0.00001.
gnomAD v4.1: 1 of 1,614,062 alleles (0.000062%); highest among the groups gnomAD compares: Non-Finnish European, 0.000085%; no homozygotes.

Submissions (2):

University of Washington Department of Laboratory Medicine, University of Washington
Classification: Likely benign for Hereditary cancer-predisposing syndrome. Last evaluated: 2023-03-23. Review status: criteria provided, single submitter. Criteria: Dines et al. (Genet Med. 2020). Collection method: curation. Allele origin: germline.
Comment: Missense variant in a coldspot region where missense variants are very unlikely to be pathogenic (PMID:31911673).

BRCA2 exon 10 coldspot. Reclassification based on statistical prior probability.

Quest Diagnostics Nichols Institute San Juan Capistrano
Classification: Uncertain significance. Last evaluated: 2017-06-14. Review status: criteria provided, single submitter. Criteria: Quest Diagnostics criteria. Collection method: clinical testing. Allele origin: germline.

NM_000059.4(BRCA2):c.1136G>A (p.Gly379Glu)

Gene: BRCA2 (BRCA2 DNA repair associated; plus strand). Cytogenetic location: 13q13.1.
Variant type: single nucleotide variant.
Coding change: c.1136G>A on transcript NM_000059.4 (MANE Select); coding-DNA position 1136, G replaced by A.
Protein change: p.Gly379Glu; replaces glycine 379 with glutamic acid.
Molecular consequence: missense variant.
Genome position (GRCh38, 1-based): chr13:32,332,614, G>A. VCF-style: chr13-32332614-G-A. GRCh37 (hg19) VCF-style: chr13-32906751-G-A.
Other names: short protein forms G379E.
Identifiers: ClinVar variation 438951 (VCV000438951.4), dbSNP rs757086356, ClinGen allele CA6940491.
Genomic context (GRCh38, chr13:32,332,614, plus strand): 5'-AACCAAATGATACTGATCCATTAGATTCAAATGTAGCAAATCAGAAGCCCTTTGAGAGTG[G>A]AAGTGACAAAATCTCCAAGGAAGTTGTACCGTCTTTGGCCTGTGAATGGTCTCAACTAAC-3'
Protein context (NP_000050.3, residues 369-389): NVANQKPFES[Gly379Glu]SDKISKEVVP